The following is an entry in ClinVar:

ClinVar aggregate classification (germline): Uncertain significance (1 of 4 stars; one submission).

gnomAD v4.1: 1 of 1,609,766 alleles (0.000062%); highest among the groups gnomAD compares: Admixed American, 0.0017%; no homozygotes.

Submission:

Ambry Genetics
Classification: Uncertain significance. Last evaluated: 2026-03-11. Review status: criteria provided, single submitter. Criteria: Ambry Variant Classification Scheme 2023. Collection method: clinical testing. Allele origin: germline.
Comment: The p.K62R variant (also known as c.185A>G), located in coding exon 3 of the NEBL gene, results from an A to G substitution at nucleotide position 185. The lysine at codon 62 is replaced by arginine, an amino acid with highly similar properties. This amino acid position is conserved. In addition, this alteration is predicted to be tolerated by in silico analysis. Based on the available evidence, the clinical significance of this variant remains unclear.

NM_006393.3(NEBL):c.185A>G (p.Lys62Arg)

Gene: NEBL (nebulette; minus strand). Cytogenetic location: 10p12.31.
Variant type: single nucleotide variant.
Coding change: c.185A>G on transcript NM_006393.3 (MANE Select); coding-DNA position 185, A replaced by G.
Protein change: p.Lys62Arg; replaces lysine 62 with arginine.
Molecular consequence: missense variant. On other transcripts: intron variant (9).
Genome position (GRCh38, 1-based): chr10:20,889,918, T>C on the plus strand (A>G on the coding strand, the complement: NEBL is on the minus strand). VCF-style: chr10-20889918-T-C. GRCh37 (hg19) VCF-style: chr10-21178847-T-C.
Other names: c.249+71754A>G (NM_001377326.1, NM_001377327.1, NM_001377328.1); c.357+71754A>G (NM_213569.2, NM_001173484.2, NM_001377322.1); c.300+71754A>G (NM_001377324.1); c.291+71754A>G (NM_001377325.1); c.309+71754A>G (NM_001377323.1); short protein forms K62R.
Identifiers: ClinVar variation 4826140 (VCV004826140.1).